The following is an entry in ClinVar:

ClinVar aggregate classification (germline): Uncertain significance. Review status: criteria provided, multiple submitters, no conflicts (2 of 4 stars). 4 submissions from 4 submitters: Uncertain significance (4). Last evaluated 2025-10-23.

Conditions:
Inborn genetic diseases. Identifiers: MedGen C0950123, MeSH D030342.
Giant axonal neuropathy 1 (GAN1). Also called: GAN-Related Neurodegeneration; GIANT AXONAL NEUROPATHY 1, AUTOSOMAL RECESSIVE. Identifiers: Orphanet 643, MedGen C1850386, MONDO:0009749, OMIM 256850.

Allele frequency attached by ClinVar (database versions not stated): gnomAD 0.00001 and 0.00004; TOPMed 0.00002; gnomAD exomes 0.00003 and 0.00006; ExAC 0.00008; ESP Exome Variant Server 0.00008; 1000 Genomes Project 30x 0.00016; 1000 Genomes Project 0.00020.
gnomAD v4.1: 55 of 1,613,436 alleles (0.0034%); highest among the groups gnomAD compares: East Asian, 0.036%; no homozygotes.

Submissions (4):

Labcorp Genetics (formerly Invitae), Labcorp
Classification: Uncertain significance for Giant axonal neuropathy 1. Last evaluated: 2025-10-23. Review status: criteria provided, single submitter. Criteria: Invitae Variant Classification Sherloc (09022015). Collection method: clinical testing. Allele origin: germline.
Comment: This sequence change replaces asparagine, which is neutral and polar, with serine, which is neutral and polar, at codon 191 of the GAN protein (p.Asn191Ser). This variant is present in population databases (rs139748896, gnomAD 0.05%). This variant has not been reported in the literature in individuals affected with GAN-related conditions. ClinVar contains an entry for this variant (Variation ID: 887051). Invitae Evidence Modeling of protein sequence and biophysical properties (such as structural, functional, and spatial information, amino acid conservation, physicochemical variation, residue mobility, and thermodynamic stability) indicates that this missense variant is not expected to disrupt GAN protein function with a negative predictive value of 80%. In summary, the available evidence is currently insufficient to determine the role of this variant in disease. Therefore, it has been classified as a Variant of Uncertain Significance.

Ambry Genetics
Classification: Uncertain significance for Inborn genetic diseases. Last evaluated: 2025-08-23. Review status: criteria provided, single submitter. Criteria: Ambry Variant Classification Scheme 2023. Collection method: clinical testing. Allele origin: germline.

Revvity Omics, Revvity
Classification: Uncertain significance for Giant axonal neuropathy 1. Last evaluated: 2023-11-15. Review status: criteria provided, single submitter. Criteria: ACMG Guidelines, 2015. Collection method: clinical testing. Allele origin: germline.

Illumina Laboratory Services, Illumina
Classification: Uncertain significance for Giant axonal neuropathy 1. Last evaluated: 2018-01-12. Review status: criteria provided, single submitter. Criteria: ICSL Variant Classification Criteria 13 December 2019. Collection method: clinical testing. Allele origin: germline.

NM_022041.4(GAN):c.572A>G (p.Asn191Ser)

Gene: GAN (gigaxonin; plus strand). Cytogenetic location: 16q23.2.
Variant type: single nucleotide variant.
Coding change: c.572A>G on transcript NM_022041.4 (MANE Select); coding-DNA position 572, A replaced by G.
Protein change: p.Asn191Ser; replaces asparagine 191 with serine.
Molecular consequence: missense variant. On other transcripts: 5 prime UTR variant (1).
Genome position (GRCh38, 1-based): chr16:81,354,694, A>G. VCF-style: chr16-81354694-A-G. GRCh37 (hg19) VCF-style: chr16-81388299-A-G.
Other names: c.-68A>G (NM_001377486.1); short protein forms N191S.
Identifiers: ClinVar variation 887051 (VCV000887051.10), dbSNP rs139748896, ClinGen allele CA8191395.
Genomic context (GRCh38, chr16:81,354,694, plus strand): 5'-TAGAGCTGAGTCCTCAAAAGCTTAAAGAAGTGATTTCTCTTGAGAAGTTAAACGTTGGCA[A>G]TGAAAGATATGTCTTTGAAGCAGTAATTCGATGGATAGCACATGATACAGAAATAAGAAA-3'
Protein context (NP_071324.1, residues 181-201): VISLEKLNVG[Asn191Ser]ERYVFEAVIR